The following is an entry in ClinVar:

ClinVar aggregate classification (germline): Likely benign. Review status: criteria provided, multiple submitters, no conflicts (2 of 4 stars). 3 submissions from 3 submitters: Likely benign (2). 1 of the submissions does not count toward it. Last evaluated 2025-08-03.

Conditions:
PDE6B-related disorder. Also called: PDE6B-related disease; PDE6B-related condition; PDE6B-related disorders.

Allele frequency attached by ClinVar (database versions not stated): gnomAD exomes 0.00001 and 0.00002; ExAC 0.00003.
gnomAD v4.1: 36 of 1,589,730 alleles (0.0023%); highest among the groups gnomAD compares: African/African-American, 0.021%; no homozygotes.

Submissions (3):

Labcorp Genetics (formerly Invitae), Labcorp
Classification: Likely benign. Last evaluated: 2025-08-03. Review status: criteria provided, single submitter. Criteria: Invitae Variant Classification Sherloc (09022015). Collection method: clinical testing. Allele origin: germline.

Blueprint Genetics
Classification: Likely benign. Last evaluated: 2024-10-23. Review status: criteria provided, single submitter. Criteria: ACMG Guidelines, 2015. Collection method: clinical testing. Allele origin: germline.

PreventionGenetics, part of Exact Sciences
Classification: Likely benign for PDE6B-related condition. Last evaluated: 2019-06-21. Review status: no assertion criteria provided. Collection method: clinical testing. Allele origin: germline. Not counted in ClinVar's aggregate classification.
Comment: This variant is classified as likely benign based on ACMG/AMP sequence variant interpretation guidelines (Richards et al. 2015 PMID: 25741868, with internal and published modifications).

NM_000283.4(PDE6B):c.1827G>A (p.Gln609=)

Gene: PDE6B (phosphodiesterase 6B; plus strand). Cytogenetic location: 4p16.3.
Variant type: single nucleotide variant.
Coding change: c.1827G>A on transcript NM_000283.4 (MANE Select); coding-DNA position 1827, G replaced by A.
Protein change: p.Gln609=; no amino-acid change (glutamine 609 retained).
Molecular consequence: synonymous variant.
Genome position (GRCh38, 1-based): chr4:662,613, G>A. VCF-style: chr4-662613-G-A. GRCh37 (hg19) VCF-style: chr4-656402-G-A.
Other names: c.1827G>A, p.Gln609= (NM_001145291.2); c.990G>A, p.Gln330= (NM_001145292.2, NM_001350154.3, NM_001379246.1 and 1 more transcripts); c.672G>A, p.Gln224= (NM_001350155.3); c.1827G>A (NM_000283.3).
Identifiers: ClinVar variation 1091901 (VCV001091901.13), dbSNP rs748138553, ClinGen allele CA2794692.
Genomic context (GRCh38, chr4:662,613, plus strand): 5'-CATGGTGACAGCCGGCCTGTGCCATGACATCGACCACCGCGGCACCAACAACCTGTACCA[G>A]ATGAAGTAGGCACCTCAGGGCGGGCATGTGAATTAGCCCTAAATCAACTCCACGCCCTTG-3'
Protein context (NP_000274.3, residues 599-619): IDHRGTNNLY[Gln609=]MKSQNPLAKL